The following is an entry in ClinVar:

ClinVar aggregate classification (germline): Uncertain significance (1 of 4 stars; one submission).

Conditions:
Nephronophthisis. Also called: Juvenile Nephronophthisis. Identifiers: Orphanet 655, MedGen C0687120, MONDO:0019005, HP:0000090.

Allele frequency attached by ClinVar (database versions not stated): gnomAD exomes below 0.00001.
gnomAD v4.1: 2 of 1,614,100 alleles (0.00012%); highest among the groups gnomAD compares: Non-Finnish European, 0.00017%; no homozygotes.

Submission:

Labcorp Genetics (formerly Invitae), Labcorp
Classification: Uncertain significance for Nephronophthisis. Last evaluated: 2022-02-27. Review status: criteria provided, single submitter. Criteria: Invitae Variant Classification Sherloc (09022015). Collection method: clinical testing. Allele origin: germline.
Comment: In summary, the available evidence is currently insufficient to determine the role of this variant in disease. Therefore, it has been classified as a Variant of Uncertain Significance. Algorithms developed to predict the effect of missense changes on protein structure and function are either unavailable or do not agree on the potential impact of this missense change (SIFT: "Deleterious"; PolyPhen-2: "Probably Damaging"; Align-GVGD: "Class C0"). This variant has not been reported in the literature in individuals affected with NPHP1-related conditions. This variant is not present in population databases (gnomAD no frequency). This sequence change replaces proline, which is neutral and non-polar, with leucine, which is neutral and non-polar, at codon 708 of the NPHP1 protein (p.Pro708Leu).

NM_001128178.3(NPHP1):c.1955C>T (p.Pro652Leu)

Gene: NPHP1 (nephrocystin 1; minus strand). Cytogenetic location: 2q13.
Variant type: single nucleotide variant.
Coding change: c.1955C>T on transcript NM_001128178.3 (MANE Select); coding-DNA position 1955, C replaced by T.
Protein change: p.Pro652Leu; replaces proline 652 with leucine.
Molecular consequence: missense variant. On other transcripts: 3 prime UTR variant (1).
Genome position (GRCh38, 1-based): chr2:110,123,870, G>A on the plus strand (C>T on the coding strand, the complement: NPHP1 is on the minus strand). VCF-style: chr2-110123870-G-A. GRCh37 (hg19) VCF-style: chr2-110881447-G-A.
Other names: c.2123C>T, p.Pro708Leu (NM_000272.5); c.1766C>T, p.Pro589Leu (NM_001128179.3); c.1952C>T, p.Pro651Leu (NM_001374256.1); c.*197C>T (NM_001374257.1); c.2120C>T, p.Pro707Leu (NM_207181.4); short protein forms P651L, P652L, P707L, P589L, P708L.
Identifiers: ClinVar variation 2166217 (VCV002166217.4), dbSNP rs1679153432, ClinGen allele CA348085969.